The following is an entry in ClinVar:

NM_002916.5(RFC4):c.882+4_882+5del

Gene: RFC4 (replication factor C subunit 4; minus strand). Cytogenetic location: 3q27.3.
Variant type: Deletion.
Coding change: c.882+4_882+5del on transcript NM_002916.5 (MANE Select); bases 4 to 5 of the intron after coding-DNA position 882, 2 bases deleted (AA; older notation c.882+4_882+5delAA).
Molecular consequence: intron variant.
Genome position (GRCh38, 1-based): chr3:186,790,321-186,790,322, TT deleted on the plus strand (AA on the coding strand, the reverse complement: RFC4 is on the minus strand); deleting any 2 consecutive bases within chr3:186,790,321-186,790,323 gives the same sequence; the c. name uses the placement nearest the transcript's 3' end. VCF-style (leftmost placement, unchanged base first): chr3-186790320-CTT-C. GRCh37 (hg19) VCF-style: chr3-186508109-CTT-C.
Other names: c.882+4_882+5del (NM_181573.3).
Identifiers: ClinVar variation 4528132 (VCV004528132.1).

ClinVar aggregate classification (germline): Uncertain significance (1 of 4 stars; one submission).

Submission:

GeneDx
Classification: Uncertain significance. Last evaluated: 2025-05-09. Review status: criteria provided, single submitter. Criteria: GeneDx Variant Classification Process June 2021. Collection method: clinical testing. Allele origin: germline. Affected: yes.
Comment: Not observed at significant frequency in large population cohorts (gnomAD); Has not been previously published as pathogenic or benign to our knowledge; In silico analysis is inconclusive as to whether the variant alters gene splicing. In the absence of RNA/functional studies, the actual effect of this sequence change is unknown